The following is an entry in ClinVar:

ClinVar aggregate classification (germline): Conflicting classifications of pathogenicity. Review status: criteria provided, conflicting classifications (1 of 4 stars). 2 submissions from 2 submitters: Uncertain significance (1); Likely benign (1). Last evaluated 2025-07-12.

Conditions:
Hyperalphalipoproteinemia 1 (HALP1). Also called: CETP-Related Hyperalphalipoproteinemia; CETP DEFICIENCY. Identifiers: MedGen C3149462, OMIM 143470.

Allele frequency attached by ClinVar (database versions not stated): gnomAD 0.00001; gnomAD exomes 0.00001 and 0.00002; ExAC 0.00002; TOPMed 0.00002; ESP Exome Variant Server 0.00008.
gnomAD v4.1: 33 of 1,614,118 alleles (0.002%); highest among the groups gnomAD compares: Non-Finnish European, 0.0028%; no homozygotes.

Submissions (2):

Ambry Genetics
Classification: Uncertain significance. Last evaluated: 2025-07-12. Review status: criteria provided, single submitter. Criteria: Ambry Variant Classification Scheme 2023. Collection method: clinical testing. Allele origin: germline.

Illumina Laboratory Services, Illumina
Classification: Likely benign for Hyperalphalipoproteinemia 1. Last evaluated: 2018-01-13. Review status: criteria provided, single submitter. Criteria: ICSL Variant Classification Criteria 13 December 2019. Collection method: clinical testing. Allele origin: germline.
Comment: This variant was observed in the ICSL laboratory as part of a predisposition screen in an ostensibly healthy population. It had not been previously curated by ICSL or reported in the Human Gene Mutation Database (HGMD: prior to June 1st, 2018), and was therefore a candidate for classification through an automated scoring system. Utilizing variant allele frequency, disease prevalence and penetrance estimates, and inheritance mode, an automated score was calculated to assess if this variant is too frequent to cause the disease. Based on the score and internal cut-off values, a variant classified as likely benign is not then subjected to further curation. The score for this variant resulted in a classification of likely benign for this disease.

NM_000078.3(CETP):c.1113C>A (p.Asp371Glu)

Gene: CETP (cholesteryl ester transfer protein; plus strand). Cytogenetic location: 16q13.
Variant type: single nucleotide variant.
Coding change: c.1113C>A on transcript NM_000078.3 (MANE Select); coding-DNA position 1113, C replaced by A.
Protein change: p.Asp371Glu; replaces aspartic acid 371 with glutamic acid.
Molecular consequence: missense variant.
Genome position (GRCh38, 1-based): chr16:56,978,222, C>A. VCF-style: chr16-56978222-C-A. GRCh37 (hg19) VCF-style: chr16-57012134-C-A.
Other names: c.933C>A, p.Asp311Glu (NM_001286085.2); short protein forms D311E, D371E.
Identifiers: ClinVar variation 887870 (VCV000887870.5), dbSNP rs138725242, ClinGen allele CA8071221.
Genomic context (GRCh38, chr16:56,978,222, plus strand): 5'-AAACAAGGGAGTCGTGGTCAATTCTTCAGTGATGGTGAAATTCCTCTTTCCACGCCCAGA[C>A]CAGCAACATTCTGTAGCTTACACATTTGAAGAGGTGAGGCGGGTGCAGGGAGAGGTGGTG-3'
Protein context (NP_000069.2, residues 361-381): VMVKFLFPRP[Asp371Glu]QQHSVAYTFE